The following is an entry in ClinVar:

NM_000395.3(CSF2RB):c.60C>A (p.Ser20Arg)

Gene: CSF2RB (colony stimulating factor 2 receptor subunit beta; plus strand). Cytogenetic location: 22q12.3.
Variant type: single nucleotide variant.
Coding change: c.60C>A on transcript NM_000395.3 (MANE Select); coding-DNA position 60, C replaced by A.
Protein change: p.Ser20Arg; replaces serine 20 with arginine.
Molecular consequence: missense variant.
Genome position (GRCh38, 1-based): chr22:36,922,267, C>A. VCF-style: chr22-36922267-C-A. GRCh37 (hg19) VCF-style: chr22-37318309-C-A.
Other names: c.60C>A (NM_000395.2); short protein forms S20R.
Identifiers: ClinVar variation 1168184 (VCV001168184.31), dbSNP rs200588212, ClinGen allele CA10213325.

ClinVar aggregate classification (germline): Benign/Likely benign. Review status: criteria provided, multiple submitters, no conflicts (2 of 4 stars). 3 submissions from 3 submitters: Benign (1); Likely benign (1). 1 of the submissions does not count toward it. Last evaluated 2026-02-02.

Conditions:
CSF2RB-related disorder. Also called: CSF2RB-related condition.

Allele frequency attached by ClinVar (database versions not stated): gnomAD 0.00026 and 0.00036; gnomAD exomes 0.00027 and 0.00099; TOPMed 0.00043; 1000 Genomes Project 0.00140; 1000 Genomes Project 30x 0.00141; ExAC 0.00160.
gnomAD v4.1: 467 of 1,578,894 alleles (0.03%); highest among the groups gnomAD compares: East Asian, 0.89%; 3 homozygotes.

Submissions (3):

Labcorp Genetics (formerly Invitae), Labcorp
Classification: Benign. Last evaluated: 2026-02-02. Review status: criteria provided, single submitter. Criteria: Invitae Variant Classification Sherloc (09022015). Collection method: clinical testing. Allele origin: germline.

CeGaT Center for Human Genetics Tuebingen
Classification: Likely benign. Last evaluated: 2024-03-01. Review status: criteria provided, single submitter. Criteria: CeGaT Center For Human Genetics Tuebingen Variant Classification Criteria Version 2. Collection method: clinical testing. Allele origin: germline. Affected: yes. Observed: 1 variant allele.
Comment: CSF2RB: BP4, BS1

PreventionGenetics, part of Exact Sciences
Classification: Benign for CSF2RB-related condition. Last evaluated: 2019-05-23. Review status: no assertion criteria provided. Collection method: clinical testing. Allele origin: germline. Not counted in ClinVar's aggregate classification.
Comment: This variant is classified as benign based on ACMG/AMP sequence variant interpretation guidelines (Richards et al. 2015 PMID: 25741868, with internal and published modifications).